The following is an entry in ClinVar:

NM_005732.4(RAD50):c.415G>T (p.Glu139Ter)

Gene: RAD50 (RAD50 double strand break repair protein; plus strand). Cytogenetic location: 5q31.1.
Variant type: single nucleotide variant.
Coding change: c.415G>T on transcript NM_005732.4 (MANE Select); coding-DNA position 415, G replaced by T.
Protein change: p.Glu139Ter; replaces glutamic acid 139 with a stop codon.
Molecular consequence: nonsense.
Genome position (GRCh38, 1-based): chr5:132,579,366, G>T. VCF-style: chr5-132579366-G-T. GRCh37 (hg19) VCF-style: chr5-131915058-G-T.
Other names: short protein forms E139*.
Identifiers: ClinVar variation 1073908 (VCV001073908.10), dbSNP rs876660467, ClinGen allele CA360933741.

ClinVar aggregate classification (germline): Pathogenic. Review status: criteria provided, multiple submitters, no conflicts (2 of 4 stars). 2 submissions from 2 submitters: Pathogenic (2). Last evaluated 2023-03-07.

Conditions:
Hereditary cancer-predisposing syndrome. Also called: Tumor predisposition; Hereditary neoplastic syndrome; Neoplastic Syndromes, Hereditary; Hereditary Cancer Syndrome. Identifiers: Orphanet 140162, MedGen C0027672, MeSH D009386, MONDO:0015356.

Submissions (2):

Labcorp Genetics (formerly Invitae), Labcorp
Classification: Pathogenic for Hereditary cancer-predisposing syndrome. Last evaluated: 2023-03-07. Review status: criteria provided, single submitter. Criteria: Invitae Variant Classification Sherloc (09022015). Collection method: clinical testing. Allele origin: germline.
Comment: For these reasons, this variant has been classified as Pathogenic. ClinVar contains an entry for this variant (Variation ID: 1073908). This variant has not been reported in the literature in individuals affected with RAD50-related conditions. This variant is not present in population databases (gnomAD no frequency). This sequence change creates a premature translational stop signal (p.Glu139*) in the RAD50 gene. It is expected to result in an absent or disrupted protein product. Loss-of-function variants in RAD50 are known to be pathogenic (PMID: 19409520).

Ambry Genetics
Classification: Pathogenic for Hereditary cancer-predisposing syndrome. Last evaluated: 2023-02-23. Review status: criteria provided, single submitter. Criteria: Ambry Variant Classification Scheme 2023. Collection method: clinical testing. Allele origin: germline.
Comment: The p.E139* pathogenic mutation (also known as c.415G>T), located in coding exon 4 of the RAD50 gene, results from a G to T substitution at nucleotide position 415. This changes the amino acid from a glutamic acid to a stop codon within coding exon 4. This variant is considered to be rare based on population cohorts in the Genome Aggregation Database (gnomAD). This alteration is expected to result in loss of function by premature protein truncation or nonsense-mediated mRNA decay. As such, this alteration is interpreted as a disease-causing mutation.

Literature cited by the submitters: PubMed 19409520 (cited by Labcorp Genetics (formerly Invitae), Labcorp).